The following is an entry in ClinVar:

NM_000719.7(CACNA1C):c.1669+8G>A

Gene: CACNA1C (calcium voltage-gated channel subunit alpha1 C; plus strand). Cytogenetic location: 12p13.33.
Variant type: single nucleotide variant.
Coding change: c.1669+8G>A on transcript NM_000719.7 (MANE Select); 8 bases into the intron after coding-DNA position 1669, G replaced by A.
Molecular consequence: intron variant.
Genome position (GRCh38, 1-based): chr12:2,566,590, G>A. VCF-style: chr12-2566590-G-A. GRCh37 (hg19) VCF-style: chr12-2675756-G-A.
Other names: c.1669+8G>A (NM_001167624.3, NM_001167623.2, NM_001167625.2 and 19 more transcripts); c.1660+8G>A (NM_001129844.2).
Identifiers: ClinVar variation 1100674 (VCV001100674.10), dbSNP rs762675533, ClinGen allele CA6388829.
Genomic context (GRCh38, chr12:2,566,590, plus strand): 5'-CACCATTGCCTCTGAGCACTACAACCAGCCCAACTGGCTCACAGAAGTCCAAGGTGAGCG[G>A]CGGCCCCAGCTCTGCTCTGGTTTCCTCCTGGTAACTCAGCCCCAAGGCCCAGGGGAGGGC-3'

ClinVar aggregate classification (germline): Likely benign. Review status: criteria provided, multiple submitters, no conflicts (2 of 4 stars). 2 submissions from 2 submitters: Likely benign (2). Last evaluated 2026-02-19.

Conditions:
CACNA1C-related disorder. Also called: CACNA1C-related condition; CACNA1C-related disorders. Identifiers: MedGen CN381092, MONDO:0700321.
Long QT syndrome (LQTS). Identifiers: MedGen C0023976, MeSH D008133, MONDO:0002442. Disease mechanism: loss of function. Inheritance: Various modes of inheritance.

Allele frequency attached by ClinVar (database versions not stated): gnomAD exomes 0.00001 and 0.00003; ExAC 0.00007; gnomAD 0.00009 and 0.00010; TOPMed 0.00009.
gnomAD v4.1: 27 of 1,588,954 alleles (0.0017%); highest among the groups gnomAD compares: African/African-American, 0.034%; no homozygotes.

Submissions (2):

PreventionGenetics, part of Exact Sciences
Classification: Likely benign for CACNA1C-related condition. Last evaluated: 2026-02-19. Review status: criteria provided, single submitter. Criteria: ACMG Guidelines, 2015. Collection method: clinical testing. Allele origin: germline.
Comment: This variant is classified as likely benign based on ACMG/AMP sequence variant interpretation guidelines (Richards et al. 2015 PMID: 25741868, with internal and published modifications).

Labcorp Genetics (formerly Invitae), Labcorp
Classification: Likely benign for Long QT syndrome. Last evaluated: 2026-02-01. Review status: criteria provided, single submitter. Criteria: Invitae Variant Classification Sherloc (09022015). Collection method: clinical testing. Allele origin: germline.